The following is an entry in ClinVar:

NM_000123.4(ERCC5):c.2407A>G (p.Thr803Ala)

Genes: BIVM-ERCC5 (BIVM-ERCC5 readthrough; plus strand), ERCC5 (ERCC excision repair 5, endonuclease; plus strand), LOC126861834 (BRD4-independent group 4 enhancer GRCh37_chr13:103518038-103519237; plus strand). Cytogenetic location: 13q33.1.
Variant type: single nucleotide variant.
Coding change: c.2407A>G on transcript NM_000123.4 (MANE Select); coding-DNA position 2407, A replaced by G.
Protein change: p.Thr803Ala; replaces threonine 803 with alanine.
Molecular consequence: missense variant.
Genome position (GRCh38, 1-based): chr13:102,866,719, A>G. VCF-style: chr13-102866719-A-G. GRCh37 (hg19) VCF-style: chr13-103519069-A-G.
Other names: c.3769A>G, p.Thr1257Ala (NM_001204425.2); short protein forms T1257A, T803A.
Identifiers: ClinVar variation 1692184 (VCV001692184.1), dbSNP rs1476744803, ClinGen allele CA388576374.
Genomic context (GRCh38, chr13:102,866,719, plus strand): 5'-TACATCCAGGCTCCCATGGAAGCAGAGGCGCAGTGCGCCATCCTGGACCTGACTGATCAG[A>G]CTTCCGGAACCATCACTGATGACAGTGATATCTGGCTGTTTGGAGCGCGGCATGTCTATA-3'
Protein context (NP_000114.3, residues 793-813): QCAILDLTDQ[Thr803Ala]SGTITDDSDI

ClinVar aggregate classification (germline): Uncertain significance (1 of 4 stars; one submission).

Conditions:
Hereditary cancer-predisposing syndrome. Also called: Hereditary Cancer Syndrome; Hereditary neoplastic syndrome; Neoplastic Syndromes, Hereditary; Tumor predisposition. Identifiers: Orphanet 140162, MedGen C0027672, MeSH D009386, MONDO:0015356.

Allele frequency attached by ClinVar (database versions not stated): gnomAD exomes 0.00001; TOPMed 0.00001.
gnomAD v4.1: 6 of 1,614,268 alleles (0.00037%); highest among the groups gnomAD compares: African/African-American, 0.0067%; no homozygotes.

Submission:

Sema4
Classification: Uncertain significance for Hereditary cancer-predisposing syndrome. Last evaluated: 2021-10-19. Review status: criteria provided, single submitter. Criteria: Sema4 Curation Guidelines. Collection method: curation. Allele origin: germline.
Comment: The ERCC5 c.2407A>G (p.T803A) variant has not been reported in the literature to our knowledge. It was not observed in the large and broad cohorts of the Genome Aggregation Database, nor has it been reported in ClinVar. Functional studies have not been performed, and in silico predictions of the variant's effect on protein function are inconclusive. The evidence is insufficient to meet ACMG/AMP criteria for classifying the variant as benign or pathogenic. Thus, the clinical significance of this variant is currently uncertain.